The following is an entry in ClinVar:

ClinVar aggregate classification (germline): Uncertain significance. Review status: criteria provided, multiple submitters, no conflicts (2 of 4 stars). 2 submissions from 2 submitters: Uncertain significance (2). Last evaluated 2026-07-05.

Conditions:
KMT2D-related disorder. Also called: KMT2D-Related Disorders.

Submissions (2):

PreventionGenetics, part of Exact Sciences
Classification: Uncertain significance for KMT2D-related condition. Last evaluated: 2026-07-05. Review status: criteria provided, single submitter. Criteria: ACMG Guidelines, 2015. Collection method: clinical testing. Allele origin: germline.
Comment: The KMT2D c.6833T>C variant is predicted to result in the amino acid substitution p.Phe2278Ser. To our knowledge, this variant has not been reported in the literature or in a large population database (gnomAD), indicating this variant is rare. At this time, the clinical significance of this variant is uncertain due to the absence of conclusive functional and genetic evidence.

GeneDx
Classification: Uncertain significance. Last evaluated: 2025-05-12. Review status: criteria provided, single submitter. Criteria: GeneDx Variant Classification Process June 2021. Collection method: clinical testing. Allele origin: germline. Affected: yes.
Comment: Not observed at significant frequency in large population cohorts (gnomAD); In silico analysis suggests that this missense variant does not alter protein structure/function; Has not been previously published as pathogenic or benign to our knowledge

NM_003482.4(KMT2D):c.6833T>C (p.Phe2278Ser)

Gene: KMT2D (lysine methyltransferase 2D; minus strand). Cytogenetic location: 12q13.12.
Variant type: single nucleotide variant.
Coding change: c.6833T>C on transcript NM_003482.4 (MANE Select); coding-DNA position 6833, T replaced by C.
Protein change: p.Phe2278Ser; replaces phenylalanine 2278 with serine.
Molecular consequence: missense variant.
Genome position (GRCh38, 1-based): chr12:49,040,937, A>G on the plus strand (T>C on the coding strand, the complement: KMT2D is on the minus strand). VCF-style: chr12-49040937-A-G. GRCh37 (hg19) VCF-style: chr12-49434720-A-G.
Other names: short protein forms F2278S.
Identifiers: ClinVar variation 4529860 (VCV004529860.2).